The following is an entry in ClinVar:

NM_000286.3(PEX12):c.126+6G>A

Gene: PEX12 (peroxisomal biogenesis factor 12; minus strand). Cytogenetic location: 17q12.
Variant type: single nucleotide variant.
Coding change: c.126+6G>A on transcript NM_000286.3 (MANE Select); 6 bases into the intron after coding-DNA position 126, G replaced by A.
Molecular consequence: intron variant.
Genome position (GRCh38, 1-based): chr17:35,577,890, C>T on the plus strand (G>A on the coding strand, the complement: PEX12 is on the minus strand). VCF-style: chr17-35577890-C-T. GRCh37 (hg19) VCF-style: chr17-33904909-C-T.
Other names: c.126+6G>A (NM_000286.2).
Identifiers: ClinVar variation 1377440 (VCV001377440.7), dbSNP rs1342667188, ClinGen allele CA728430857.

ClinVar aggregate classification (germline): Conflicting classifications of pathogenicity. Review status: criteria provided, conflicting classifications (1 of 4 stars). 2 submissions from 2 submitters: Uncertain significance (1); Likely benign (1). Last evaluated 2025-12-30.

Conditions:
PEX12-related disorder. Also called: PEX12-related condition; PEX12-related disorders.
Peroxisome biogenesis disorder 3A (Zellweger). Also called: PEROXISOMAL BIOGENESIS DISORDER 3A (ZELLWEGER); Peroxisome biogenesis disorder 3A. Identifiers: Orphanet 912, MedGen C3553929, MONDO:0013927, OMIM 614859.

Allele frequency attached by ClinVar (database versions not stated): gnomAD 0.00001; TOPMed 0.00001.

Submissions (2):

PreventionGenetics, part of Exact Sciences
Classification: Likely benign for PEX12-related condition. Last evaluated: 2025-12-30. Review status: criteria provided, single submitter. Criteria: ACMG Guidelines, 2015. Collection method: clinical testing. Allele origin: germline.
Comment: This variant is classified as likely benign based on ACMG/AMP sequence variant interpretation guidelines (Richards et al. 2015 PMID: 25741868, with internal and published modifications).

Labcorp Genetics (formerly Invitae), Labcorp
Classification: Uncertain significance for Peroxisome biogenesis disorder 3A (Zellweger). Last evaluated: 2022-07-26. Review status: criteria provided, single submitter. Criteria: Invitae Variant Classification Sherloc (09022015). Collection method: clinical testing. Allele origin: germline.
Comment: This variant has not been reported in the literature in individuals affected with PEX12-related conditions. In summary, the available evidence is currently insufficient to determine the role of this variant in disease. Therefore, it has been classified as a Variant of Uncertain Significance. Variants that disrupt the consensus splice site are a relatively common cause of aberrant splicing (PMID: 17576681, 9536098). Algorithms developed to predict the effect of sequence changes on RNA splicing suggest that this variant is not likely to affect RNA splicing. ClinVar contains an entry for this variant (Variation ID: 1377440). This variant is not present in population databases (gnomAD no frequency). This sequence change falls in intron 1 of the PEX12 gene. It does not directly change the encoded amino acid sequence of the PEX12 protein. It affects a nucleotide within the consensus splice site.

Literature cited by the submitters: PubMed 17576681 (cited by Labcorp Genetics (formerly Invitae), Labcorp); PubMed 9536098 (cited by Labcorp Genetics (formerly Invitae), Labcorp).